The following is an entry in ClinVar:

ClinVar aggregate classification (germline): Benign. Review status: criteria provided, multiple submitters, no conflicts (2 of 4 stars). 3 submissions from 3 submitters: Benign (3). Last evaluated 2018-06-28.

Conditions:
Metachromatic leukodystrophy (MLD). Also called: ARSA DEFICIENCY; CEREBROSIDE SULFATASE DEFICIENCY; METACHROMATIC LEUKOENCEPHALOPATHY; SULFATIDE LIPIDOSIS; Cerebral sclerosis diffuse metachromatic form; Arylsulfatase A Deficiency. Identifiers: Orphanet 512, MedGen C0023522, MONDO:0018868, OMIM 250100.

Allele frequency attached by ClinVar (database versions not stated): gnomAD exomes 0.07686; gnomAD 0.09453 and 0.09664; TOPMed 0.10291; 1000 Genomes Project 0.15635; 1000 Genomes Project 30x 0.15803.
gnomAD v4.1: 19,379 of 215,104 alleles (9%); highest among the groups gnomAD compares: East Asian, 25%; 1,392 homozygotes.

Submissions (3):

GeneDx
Classification: Benign. Last evaluated: 2018-06-28. Review status: criteria provided, single submitter. Criteria: GeneDx Variant Classification Process June 2021. Collection method: clinical testing. Allele origin: germline. Affected: yes.

Illumina Laboratory Services, Illumina
Classification: Benign for Metachromatic leukodystrophy. Last evaluated: 2018-01-13. Review status: criteria provided, single submitter. Criteria: ICSL Variant Classification Criteria 13 December 2019. Collection method: clinical testing. Allele origin: germline.
Comment: This variant was observed in the ICSL laboratory as part of a predisposition screen in an ostensibly healthy population. It had not been previously curated by ICSL or reported in the Human Gene Mutation Database (HGMD: prior to June 1st, 2018), and was therefore a candidate for classification through an automated scoring system. Utilizing variant allele frequency, disease prevalence and penetrance estimates, and inheritance mode, an automated score was calculated to assess if this variant is too frequent to cause the disease. Based on the score and internal cut-off values, a variant classified as benign is not then subjected to further curation. The score for this variant resulted in a classification of benign for this disease.

Breakthrough Genomics
Classification: Benign. Review status: criteria provided, single submitter. Criteria: ACMG Guidelines, 2015. Collection method: not provided. Allele origin: germline. Inheritance: Autosomal recessive inheritance. Affected: yes.

NM_000487.6(ARSA):c.-345G>C

Genes: ARSA (arylsulfatase A; minus strand), LOC130067887 (ATAC-STARR-seq lymphoblastoid silent region 14004; plus strand). Cytogenetic location: 22q13.33.
Variant type: single nucleotide variant.
Coding change: c.-345G>C on transcript NM_000487.6 (MANE Select); 345 bases upstream of the start codon, G replaced by C.
Molecular consequence: 5 prime UTR variant.
Genome position (GRCh38, 1-based): chr22:50,628,124, C>G on the plus strand (G>C on the coding strand, the complement: ARSA is on the minus strand). VCF-style: chr22-50628124-C-G. GRCh37 (hg19) VCF-style: chr22-51066552-C-G.
Other names: c.-240G>C (NM_001085425.3); c.-192G>C (NM_001085426.3); c.-147G>C (NM_001085427.3); c.-213G>C (NM_001085428.3); c.-168G>C (NM_001362782.2).
Identifiers: ClinVar variation 342249 (VCV000342249.9), dbSNP rs6151406, ClinGen allele CA10653712.